The following is an entry in ClinVar:

NM_018062.4(FANCL):c.339C>A (p.Ser113Arg)

Gene: FANCL (FA complementation group L; minus strand). Cytogenetic location: 2p16.1.
Variant type: single nucleotide variant.
Coding change: c.339C>A on transcript NM_018062.4 (MANE Select); coding-DNA position 339, C replaced by A.
Protein change: p.Ser113Arg; replaces serine 113 with arginine.
Molecular consequence: missense variant.
Genome position (GRCh38, 1-based): chr2:58,221,977, G>T on the plus strand (C>A on the coding strand, the complement: FANCL is on the minus strand). VCF-style: chr2-58221977-G-T. GRCh37 (hg19) VCF-style: chr2-58449112-G-T.
Other names: c.339C>A, p.Ser113Arg (NM_001114636.2, NM_001374615.1, NM_001410792.1); short protein forms S113R.
Identifiers: ClinVar variation 1060848 (VCV001060848.8), dbSNP rs2103752897, ClinGen allele CA347034445.
Genomic context (GRCh38, chr2:58,221,977, plus strand): 5'-AAAACATATTTTAAAACAGACATACTTATCCCAACCAAGAGTTCCTATCTCTTCAATAAG[G>T]CTTGAGTAGAACTGGGGAGGAGGAGGTAGTGCATACAGCTCTTGTCTATTCTTTAAGGCA-3'
Protein context (NP_060532.2, residues 103-123): ALPPPPQFYS[Ser113Arg]LIEEIGTLGW

ClinVar aggregate classification (germline): Uncertain significance (1 of 4 stars; one submission).

Conditions:
Fanconi anemia (FA). Also called: Fanconi's anemia. Identifiers: Orphanet 84, MedGen C0015625, MeSH D005199, MONDO:0019391.

Submission:

Labcorp Genetics (formerly Invitae), Labcorp
Classification: Uncertain significance for Fanconi anemia. Last evaluated: 2024-04-10. Review status: criteria provided, single submitter. Criteria: Invitae Variant Classification Sherloc (09022015). Collection method: clinical testing. Allele origin: germline.
Comment: This sequence change replaces serine, which is neutral and polar, with arginine, which is basic and polar, at codon 113 of the FANCL protein (p.Ser113Arg). This variant is not present in population databases (gnomAD no frequency). This variant has not been reported in the literature in individuals affected with FANCL-related conditions. ClinVar contains an entry for this variant (Variation ID: 1060848). Advanced modeling of protein sequence and biophysical properties (such as structural, functional, and spatial information, amino acid conservation, physicochemical variation, residue mobility, and thermodynamic stability) performed at Invitae indicates that this missense variant is not expected to disrupt FANCL protein function with a negative predictive value of 80%. In summary, the available evidence is currently insufficient to determine the role of this variant in disease. Therefore, it has been classified as a Variant of Uncertain Significance.